The following is an entry in ClinVar:

NM_001854.4(COL11A1):c.2204C>T (p.Pro735Leu)

Gene: COL11A1 (collagen type XI alpha 1 chain; minus strand). Cytogenetic location: 1p21.1.
Variant type: single nucleotide variant.
Coding change: c.2204C>T on transcript NM_001854.4 (MANE Select); coding-DNA position 2204, C replaced by T.
Protein change: p.Pro735Leu; replaces proline 735 with leucine.
Molecular consequence: missense variant. On other transcripts: non-coding transcript variant (1).
Genome position (GRCh38, 1-based): chr1:102,997,117, G>A on the plus strand (C>T on the coding strand, the complement: COL11A1 is on the minus strand). VCF-style: chr1-102997117-G-A. GRCh37 (hg19) VCF-style: chr1-103462673-G-A.
Other names: c.2087C>T, p.Pro696Leu (NM_001190709.2); c.2240C>T, p.Pro747Leu (NM_080629.3); c.1856C>T, p.Pro619Leu (NM_080630.4); short protein forms P619L, P696L, P735L, P747L.
Identifiers: ClinVar variation 3370040 (VCV003370040.1).
Genomic context (GRCh38, chr1:102,997,117, plus strand): 5'-TAAATGGATACTTTGGAACCTACCAGAGCCCCCTTTTCTCCAGACTGGCCTTCTTTCCCA[G>A]GATGACCCTATATTTAGCAAAAACATACACTGATAAGATGTAATATAAACATAGTTGATA-3'
Protein context (NP_001845.3, residues 725-745): LPGADGPPGH[Pro735Leu]GKEGQSGEKG

ClinVar aggregate classification (germline): Uncertain significance (1 of 4 stars; one submission).

Submission:

GeneDx
Classification: Uncertain significance. Last evaluated: 2023-12-20. Review status: criteria provided, single submitter. Criteria: GeneDx Variant Classification Process June 2021. Collection method: clinical testing. Allele origin: germline. Affected: yes.
Comment: Has not been previously published as pathogenic or benign to our knowledge; Not observed at significant frequency in large population cohorts (gnomAD); In silico analysis supports that this missense variant has a deleterious effect on protein structure/function